The following is an entry in ClinVar:

NM_001267550.2(TTN):c.48742C>T (p.Gln16248Ter)

Genes: TTN (titin; minus strand), TTN-AS1 (TTN antisense RNA 1; plus strand), LOC126806426 (BRD4-independent group 4 enhancer GRCh37_chr2:179478848-179480047; plus strand). Cytogenetic location: 2q31.2.
Variant type: single nucleotide variant.
Coding change: c.48742C>T on transcript NM_001267550.2 (MANE Select); coding-DNA position 48742, C replaced by T.
Protein change: p.Gln16248Ter; replaces glutamine 16248 with a stop codon.
Molecular consequence: nonsense.
Genome position (GRCh38, 1-based): chr2:178,614,865, G>A on the plus strand (C>T on the coding strand, the complement: TTN is on the minus strand). VCF-style: chr2-178614865-G-A. GRCh37 (hg19) VCF-style: chr2-179479592-G-A.
Other names: c.21547C>T, p.Gln7183Ter (NM_003319.4); c.41038C>T, p.Gln13680Ter (NM_133378.4); c.21922C>T, p.Gln7308Ter (NM_133432.3); c.22123C>T, p.Gln7375Ter (NM_133437.4); c.43819C>T, p.Gln14607Ter (NM_001256850.1); short protein forms Q13680*, Q14607*, Q16248*, Q7183*, Q7308*, Q7375*.
Identifiers: ClinVar variation 4866176 (VCV004866176.1).

ClinVar aggregate classification (germline): Likely pathogenic (1 of 4 stars; one submission).

Conditions:
Cardiovascular phenotype. Identifiers: MedGen CN230736.

Submission:

Ambry Genetics
Classification: Likely pathogenic for Cardiovascular phenotype. Last evaluated: 2026-04-30. Review status: criteria provided, single submitter. Criteria: Ambry Variant Classification Scheme 2023. Collection method: clinical testing. Allele origin: germline.
Comment: The p.Q7183* variant (also known as c.21547C>T), located in coding exon 87 of the TTN gene, results from a C to T substitution at nucleotide position 21547. This changes the amino acid from a glutamine to a stop codon within coding exon 87. This exon is located in the A-band region of the N2-B isoform of the titin protein and is constitutively expressed in TTN transcripts (percent spliced in or PSI 100%). This variant is expected to result in loss of function by premature protein truncation or nonsense-mediated mRNA decay. While truncating variants in TTN are present in 1-3% of the general population, truncating variants in the A-band are the most common cause of dilated cardiomyopathy (Herman DS et al. N. Engl. J. Med., 2012 Feb;366:619-28; Roberts AM et al. Sci Transl Med, 2015 Jan;7:270ra6). TTN truncating variants encoded in constitutive exons (PSI >90%) have been found to be significantly associated with DCM regardless of their position in titin (Schafer S et al. Nat. Genet., 2017 01;49:46-53; Akhtar MM et al. Circ Heart Fail, 2020 Oct;13:e006832; Massier M et al. Clin Genet, 2025 Jan). This variant is considered to be rare based on population cohorts in the Genome Aggregation Database (gnomAD). Based on the majority of available evidence to date, this variant is likely to be pathogenic.